The following is an entry in ClinVar:

ClinVar aggregate classification (germline): Pathogenic (1 of 4 stars; one submission).

Submission:

Labcorp Genetics (formerly Invitae), Labcorp
Classification: Pathogenic. Last evaluated: 2024-06-08. Review status: criteria provided, single submitter. Criteria: Invitae Variant Classification Sherloc (09022015). Collection method: clinical testing. Allele origin: germline.
Comment: This sequence change creates a premature translational stop signal (p.Gly1433*) in the USH2A gene. It is expected to result in an absent or disrupted protein product. Loss-of-function variants in USH2A are known to be pathogenic (PMID: 10729113, 10909849, 20507924, 25649381). Information on the frequency of this variant in the gnomAD database is not available, as this variant may be reported differently in the database. This variant has not been reported in the literature in individuals affected with USH2A-related conditions. For these reasons, this variant has been classified as Pathogenic.

Literature cited by the submitters: PubMed 10729113; PubMed 10909849; PubMed 20507924; PubMed 25649381.

NM_206933.4(USH2A):c.4297_4298delinsTA (p.Gly1433Ter)

Gene: USH2A (usherin; minus strand). Cytogenetic location: 1q41.
Variant type: Indel.
Coding change: c.4297_4298delinsTA on transcript NM_206933.4 (MANE Select); coding-DNA positions 4297 to 4298, GG replaced by TA.
Protein change: p.Gly1433Ter; replaces glycine 1433 with a stop codon.
Molecular consequence: nonsense.
Genome position (GRCh38, 1-based): chr1:216,190,321-216,190,322, CC replaced by TA on the plus strand (GG replaced by TA on the coding strand, the reverse complement: USH2A is on the minus strand). VCF-style: chr1-216190321-CC-TA. GRCh37 (hg19) VCF-style: chr1-216363663-CC-TA.
Other names: c.4297_4298delinsTA, p.Gly1433Ter (NM_007123.6); short protein forms G1433*.
Identifiers: ClinVar variation 3655935 (VCV003655935.2).